The following is an entry in ClinVar:

NM_005026.5(PIK3CD):c.30A>C (p.Glu10Asp)

Gene: PIK3CD (phosphatidylinositol-4,5-bisphosphate 3-kinase catalytic subunit delta; plus strand). Cytogenetic location: 1p36.22.
Variant type: single nucleotide variant.
Coding change: c.30A>C on transcript NM_005026.5 (MANE Select); coding-DNA position 30, A replaced by C.
Protein change: p.Glu10Asp; replaces glutamic acid 10 with aspartic acid.
Molecular consequence: missense variant.
Genome position (GRCh38, 1-based): chr1:9,710,485, A>C. VCF-style: chr1-9710485-A-C. GRCh37 (hg19) VCF-style: chr1-9770543-A-C.
Other names: c.30A>C, p.Glu10Asp (NM_001350234.2, NM_001350235.1); short protein forms E10D.
Identifiers: ClinVar variation 2146657 (VCV002146657.6), dbSNP rs867168019, ClinGen allele CA17769102.

ClinVar aggregate classification (germline): Uncertain significance. Review status: criteria provided, multiple submitters, no conflicts (2 of 4 stars). 3 submissions from 3 submitters: Uncertain significance (3). Last evaluated 2025-07-05.

Conditions:
PIK3CD-related disorder. Also called: PIK3CD-related condition.
Inborn genetic diseases. Identifiers: MedGen C0950123, MeSH D030342.
Immunodeficiency 14 (IMD14A). Also called: IMMUNODEFICIENCY 14A WITH LYMPHOPROLIFERATION, AUTOSOMAL DOMINANT; Activated PI3K Delta Syndrome Type 1 (APDS1); p110-DELTA-ACTIVATING MUTATION CAUSING SENESCENT T CELLS, LYMPHADENOPATHY, AND IMMUNODEFICIENCY; ACTIVATED PI3K-DELTA SYNDROME 1. Identifiers: Orphanet 397596, Orphanet 693661, MedGen C5907821, MONDO:0014222, OMIM 615513.

Allele frequency attached by ClinVar (database versions not stated): gnomAD exomes below 0.00001; TOPMed below 0.00001; gnomAD 0.00001.
gnomAD v4.1: 6 of 1,614,048 alleles (0.00037%); highest among the groups gnomAD compares: Middle Eastern, 0.016%; no homozygotes.

Submissions (3):

Labcorp Genetics (formerly Invitae), Labcorp
Classification: Uncertain significance for Activated PI3K-delta syndrome. Last evaluated: 2025-07-05. Review status: criteria provided, single submitter. Criteria: Invitae Variant Classification Sherloc (09022015). Collection method: clinical testing. Allele origin: germline.
Comment: This sequence change replaces glutamic acid, which is acidic and polar, with aspartic acid, which is acidic and polar, at codon 10 of the PIK3CD protein (p.Glu10Asp). This variant is present in population databases (no rsID available, gnomAD 0.003%). This variant has not been reported in the literature in individuals affected with PIK3CD-related conditions. ClinVar contains an entry for this variant (Variation ID: 2146657). An algorithm developed to predict the effect of missense changes on protein structure and function (PolyPhen-2) suggests that this variant is likely to be disruptive. In summary, the available evidence is currently insufficient to determine the role of this variant in disease. Therefore, it has been classified as a Variant of Uncertain Significance.

Ambry Genetics
Classification: Uncertain significance for Inborn genetic diseases. Last evaluated: 2025-03-19. Review status: criteria provided, single submitter. Criteria: Ambry Variant Classification Scheme 2023. Collection method: clinical testing. Allele origin: germline.

PreventionGenetics, part of Exact Sciences
Classification: Uncertain significance for PIK3CD-related condition. Last evaluated: 2023-10-04. Review status: criteria provided, single submitter. Criteria: ACMG Guidelines, 2015. Collection method: clinical testing. Allele origin: germline.
Comment: The PIK3CD c.30A>C variant is predicted to result in the amino acid substitution p.Glu10Asp. To our knowledge, this variant has not been reported in the literature. This variant is reported in 0.0029% of alleles in individuals of Latino descent in gnomAD. At this time, the clinical significance of this variant is uncertain due to the absence of conclusive functional and genetic evidence.